The following is an entry in ClinVar:

NM_000553.6(WRN):c.1830A>G (p.Lys610=)

Gene: WRN (WRN RecQ like helicase; plus strand). Cytogenetic location: 8p12.
Variant type: single nucleotide variant.
Coding change: c.1830A>G on transcript NM_000553.6 (MANE Select); coding-DNA position 1830, A replaced by G.
Protein change: p.Lys610=; no amino-acid change (lysine 610 retained).
Molecular consequence: synonymous variant.
Genome position (GRCh38, 1-based): chr8:31,091,830, A>G. VCF-style: chr8-31091830-A-G. GRCh37 (hg19) VCF-style: chr8-30949346-A-G.
Identifiers: ClinVar variation 2746634 (VCV002746634.3), dbSNP rs2535933964, ClinGen allele CA460228323.

ClinVar aggregate classification (germline): Uncertain significance (1 of 4 stars; one submission).

Conditions:
Werner syndrome (WRN). Identifiers: Orphanet 902, MedGen C0043119, MONDO:0010196, OMIM 277700.

Submission:

Labcorp Genetics (formerly Invitae), Labcorp
Classification: Uncertain significance for Werner syndrome. Last evaluated: 2023-09-12. Review status: criteria provided, single submitter. Criteria: Invitae Variant Classification Sherloc (09022015). Collection method: clinical testing. Allele origin: germline.
Comment: Algorithms developed to predict the effect of sequence changes on RNA splicing suggest that this variant is not likely to affect RNA splicing. In summary, the available evidence is currently insufficient to determine the role of this variant in disease. Therefore, it has been classified as a Variant of Uncertain Significance. This variant has not been reported in the literature in individuals affected with WRN-related conditions. This variant is not present in population databases (gnomAD no frequency). This sequence change affects codon 610 of the WRN mRNA. It is a 'silent' change, meaning that it does not change the encoded amino acid sequence of the WRN protein. It affects a nucleotide within the consensus splice site.